The following is an entry in ClinVar:

ClinVar aggregate classification (germline): Conflicting classifications of pathogenicity. Review status: criteria provided, conflicting classifications (1 of 4 stars). 4 submissions from 4 submitters: Uncertain significance (2); Likely benign (2). Last evaluated 2025-06-09.

Conditions:
PLEC-related disorder. Also called: PLEC-related condition; PLEC-related disorders.
Epidermolysis bullosa simplex 5B, with muscular dystrophy (EBS5B). Also called: EPIDERMOLYSIS BULLOSA SIMPLEX AND LIMB-GIRDLE MUSCULAR DYSTROPHY; Epidermolysis bullosa simplex with muscular dystrophy. Identifiers: Orphanet 257, MedGen C2931072, MONDO:0009181, OMIM 226670.
Epidermolysis bullosa simplex, Ogna type (EBS5A). Also called: Pidermolysis bullosa simplex 5A, Ogna type; EPIDERMOLYSIS BULLOSA SIMPLEX 5A, OGNA TYPE. Identifiers: Orphanet 79401, MedGen C0432317, MONDO:0007555, OMIM 131950.
Autosomal recessive limb-girdle muscular dystrophy type 2Q (LGMDR17). Also called: MUSCULAR DYSTROPHY, LIMB-GIRDLE, AUTOSOMAL RECESSIVE 17. Identifiers: Orphanet 254361, MedGen C3150989, MONDO:0013390, OMIM 613723.
Epidermolysis bullosa simplex with nail dystrophy (EBS5D). Identifiers: MedGen C4225309, MONDO:0014661, OMIM 616487.
Epidermolysis bullosa simplex 5C, with pyloric atresia (EBS5C). Also called: PLEC-Related Epidermolysis Bullosa with Pyloric Atresia; Epidermolysis bullosa simplex with pyloric atresia; PLEC1-Related Epidermolysis Bullosa with Pyloric Atresia. Identifiers: Orphanet 158684, MedGen C2677349, MONDO:0012807, OMIM 612138.

Allele frequency attached by ClinVar (database versions not stated): gnomAD 0.00005 and 0.00006; TOPMed 0.00020; ExAC 0.00054.
gnomAD v4.1: 132 of 1,591,138 alleles (0.0083%); highest among the groups gnomAD compares: Admixed American, 0.22%; no homozygotes.

Submissions (4):

PreventionGenetics, part of Exact Sciences
Classification: Likely benign for PLEC-related condition. Last evaluated: 2025-06-09. Review status: criteria provided, single submitter. Criteria: ACMG Guidelines, 2015. Collection method: clinical testing. Allele origin: germline.
Comment: This variant is classified as likely benign based on ACMG/AMP sequence variant interpretation guidelines (Richards et al. 2015 PMID: 25741868, with internal and published modifications).

Labcorp Genetics (formerly Invitae), Labcorp
Classification: Likely benign for Limb-girdle muscular dystrophy, type 2Q; Epidermolysis bullosa simplex, Ogna type; Epidermolysis bullosa simplex with nail dystrophy; Epidermolysis bullosa simplex with pyloric atresia; Epidermolysa bullosa simplex and limb girdle muscular dystrophy. Last evaluated: 2019-12-31. Review status: criteria provided, single submitter. Criteria: Invitae Variant Classification Sherloc (09022015). Collection method: clinical testing. Allele origin: germline.

Eurofins Ntd Llc (ga)
Classification: Uncertain significance. Last evaluated: 2015-08-14. Review status: criteria provided, single submitter. Criteria: EGL Classification Definitions 2015. Collection method: clinical testing. Allele origin: germline. Observed: 3 variant alleles, 3 heterozygotes.

Genetic Services Laboratory, University of Chicago
Classification: Uncertain significance. Last evaluated: 2015-03-09. Review status: criteria provided, single submitter. Criteria: ACMG Guidelines, 2015. Collection method: clinical testing. Allele origin: germline.

NM_201384.3(PLEC):c.6313G>A (p.Ala2105Thr)

Gene: PLEC (plectin; minus strand). Cytogenetic location: 8q24.3.
Variant type: single nucleotide variant.
Coding change: c.6313G>A on transcript NM_201384.3 (MANE Select); coding-DNA position 6313, G replaced by A.
Protein change: p.Ala2105Thr; replaces alanine 2105 with threonine.
Molecular consequence: missense variant.
Genome position (GRCh38, 1-based): chr8:143,923,616, C>T on the plus strand (G>A on the coding strand, the complement: PLEC is on the minus strand). VCF-style: chr8-143923616-C-T. GRCh37 (hg19) VCF-style: chr8-144997784-C-T.
Other names: c.6394G>A, p.Ala2132Thr (NM_000445.5); c.6271G>A, p.Ala2091Thr (NM_201378.4); c.6247G>A, p.Ala2083Thr (NM_201379.3); c.6724G>A, p.Ala2242Thr (NM_201380.4); c.6217G>A, p.Ala2073Thr (NM_201381.3); c.6313G>A, p.Ala2105Thr (NM_201382.4); c.6325G>A, p.Ala2109Thr (NM_201383.3); short protein forms A2073T, A2083T, A2091T, A2105T, A2109T, A2132T, A2242T.
Identifiers: ClinVar variation 211915 (VCV000211915.15), dbSNP rs781931836, ClinGen allele CA207236.